The following is an entry in ClinVar:

NM_000540.3(RYR1):c.380C>T (p.Thr127Ile)

Gene: RYR1 (ryanodine receptor 1; plus strand). Cytogenetic location: 19q13.2.
Variant type: single nucleotide variant.
Coding change: c.380C>T on transcript NM_000540.3 (MANE Select); coding-DNA position 380, C replaced by T.
Protein change: p.Thr127Ile; replaces threonine 127 with isoleucine.
Molecular consequence: missense variant.
Genome position (GRCh38, 1-based): chr19:38,443,752, C>T. VCF-style: chr19-38443752-C-T. GRCh37 (hg19) VCF-style: chr19-38934392-C-T.
Other names: c.380C>T, p.Thr127Ile (NM_001042723.2); short protein forms T127I.
Identifiers: ClinVar variation 3069514 (VCV003069514.3), dbSNP rs755938312, ClinGen allele CA065223.

ClinVar aggregate classification (germline): Uncertain significance. Review status: criteria provided, multiple submitters, no conflicts (2 of 4 stars). 2 submissions from 2 submitters: Uncertain significance (2). Last evaluated 2024-10-20.

Conditions:
RYR1-related disorder. Also called: RYR1-related condition; RYR1-related disorders. Identifiers: MedGen CN239331.
Malignant hyperthermia, susceptibility to, 1 (MHS1). Also called: RYR1-Related Malignant Hyperthermia Susceptibility; Anesthesia related hyperthermia; Malignant hyperpyrexia; Fulminating hyperpyrexia; Pharmacogenic myopathy; Malignant hyperthermia suceptibility 1. Identifiers: Orphanet 423, MedGen C2930980, MONDO:0007783, OMIM 145600.

Allele frequency attached by ClinVar (database versions not stated): ExAC 0.00001; TOPMed 0.00001; gnomAD 0.00002; gnomAD exomes 0.00002.
gnomAD v4.1: 27 of 1,614,044 alleles (0.0017%); highest among the groups gnomAD compares: Non-Finnish European, 0.0023%; no homozygotes.

Submissions (2):

Labcorp Genetics (formerly Invitae), Labcorp
Classification: Uncertain significance for RYR1-related disorder. Last evaluated: 2024-10-20. Review status: criteria provided, single submitter. Criteria: Invitae Variant Classification Sherloc (09022015). Collection method: clinical testing. Allele origin: germline.
Comment: This sequence change replaces threonine, which is neutral and polar, with isoleucine, which is neutral and non-polar, at codon 127 of the RYR1 protein (p.Thr127Ile). This variant is present in population databases (rs755938312, gnomAD 0.0009%). This variant has not been reported in the literature in individuals affected with RYR1-related conditions. Invitae Evidence Modeling of protein sequence and biophysical properties (such as structural, functional, and spatial information, amino acid conservation, physicochemical variation, residue mobility, and thermodynamic stability) has been performed for this missense variant. However, the output from this modeling did not meet the statistical confidence thresholds required to predict the impact of this variant on RYR1 protein function. In summary, the available evidence is currently insufficient to determine the role of this variant in disease. Therefore, it has been classified as a Variant of Uncertain Significance.

All of Us Research Program, National Institutes of Health
Classification: Uncertain significance for Malignant hyperthermia, susceptibility to, 1. Last evaluated: 2023-02-24. Review status: criteria provided, single submitter. Criteria: ACMG Guidelines, 2015. Collection method: clinical testing. Allele origin: germline. Inheritance: Autosomal dominant inheritance. Observed: 1 variant allele, 1 heterozygote.
Comment: This missense variant replaces threonine with isoleucine at codon 127 of the RYR1 protein. Computational prediction suggests that this variant may have deleterious impact on protein structure and function (internally defined REVEL score threshold >= 0.7, PMID: 27666373). Although functional studies have not been reported for this variant, it occurs in a region of RYR1 considered to be a hotspot for pathogenic variants that contribute to malignant hyperthermia susceptibility (PMID: 21118704). This variant has not been reported in individuals affected with RYR1-related disorders in the literature. This variant has been identified in 1/251422 chromosomes in the general population by the Genome Aggregation Database (gnomAD). The available evidence is insufficient to determine the role of this variant in disease conclusively. Therefore, this variant is classified as a Variant of Uncertain Significance.

This study involves interpretation of variants in research participants for the purpose of population health screening. Participant phenotype was not available at the time of variant classification. Additional details can be found in publication PMID: 35346344, PMCID: PMC8962531

Literature cited by the submitters: PubMed 21118704 (cited by All of Us Research Program, National Institutes of Health).